The following is an entry in ClinVar:

NM_000182.5(HADHA):c.1003G>A (p.Glu335Lys)

Gene: HADHA (hydroxyacyl-CoA dehydrogenase trifunctional multienzyme complex subunit alpha; minus strand). Cytogenetic location: 2p23.3.
Variant type: single nucleotide variant.
Coding change: c.1003G>A on transcript NM_000182.5 (MANE Select); coding-DNA position 1003, G replaced by A.
Protein change: p.Glu335Lys; replaces glutamic acid 335 with lysine.
Molecular consequence: missense variant.
Genome position (GRCh38, 1-based): chr2:26,209,862, C>T on the plus strand (G>A on the coding strand, the complement: HADHA is on the minus strand). VCF-style: chr2-26209862-C-T. GRCh37 (hg19) VCF-style: chr2-26432731-C-T.
Other names: c.1003G>A (NM_000182.4); short protein forms E335K.
Identifiers: ClinVar variation 1380200 (VCV001380200.36), dbSNP rs769821069, ClinGen allele CA1559695.

ClinVar aggregate classification (germline): Uncertain significance. Review status: criteria provided, multiple submitters, no conflicts (2 of 4 stars). 5 submissions from 5 submitters: Uncertain significance (5). Last evaluated 2026-10-13.

Conditions:
Long chain 3-hydroxyacyl-CoA dehydrogenase deficiency. Also called: Deficiency of long-chain 3-hydroxyacyl-coenzyme A dehydrogenase; LCHAD Deficiency. Identifiers: Orphanet 5, MedGen C3711645, MONDO:0012173, OMIM 609016.
Mitochondrial trifunctional protein deficiency. Identifiers: Orphanet 746, MedGen C1969443, MONDO:0012172.

Allele frequency attached by ClinVar (database versions not stated): ExAC 0.00001; gnomAD exomes 0.00001; gnomAD 0.00003 and 0.00004; TOPMed 0.00004.
gnomAD v4.1: 81 of 1,600,010 alleles (0.0051%); highest among the groups gnomAD compares: Non-Finnish European, 0.0067%; no homozygotes.

Submissions (5):

GeneDx
Classification: Uncertain significance. Last evaluated: 2026-10-13. Review status: criteria provided, single submitter. Criteria: GeneDx Variant Classification Process June 2021. Collection method: clinical testing. Allele origin: germline.
Comment: In silico analysis supports that this missense variant has a deleterious effect on protein structure/function; Not observed at significant frequency in large population cohorts (gnomAD); This variant is associated with the following publications: (PMID: 40790338)

Myriad Genetics, Inc.
Classification: Uncertain significance for Long chain 3-hydroxyacyl-CoA dehydrogenase deficiency. Last evaluated: 2026-03-31. Review status: criteria provided, single submitter. Criteria: Myriad Autosomal Dominant, Autosomal Recessive and X-Linked Classification Criteria (2023). Collection method: clinical testing. Allele origin: unknown.
Comment: NM_000182.4(HADHA):c.1003G>A(E335K) is a missense variant classified as a variant of uncertain significance in the context of HADHA-related disorders. E335K has been observed in a case with relevant disease (PMID: 40790338). Relevant functional assessments of this variant are not available in the literature. E335K has been observed in referenced population frequency databases. In summary, there is insufficient evidence to classify NM_000182.4(HADHA):c.1003G>A(E335K) as pathogenic or benign. Please note: this variant was assessed in the context of healthy population screening.

Blueprint Genetics
Classification: Uncertain significance. Last evaluated: 2024-11-15. Review status: criteria provided, single submitter. Criteria: ACMG Guidelines, 2015. Collection method: clinical testing. Allele origin: germline.

Labcorp Genetics (formerly Invitae), Labcorp
Classification: Uncertain significance for Mitochondrial trifunctional protein deficiency; Long chain 3-hydroxyacyl-CoA dehydrogenase deficiency. Last evaluated: 2022-10-17. Review status: criteria provided, single submitter. Criteria: Invitae Variant Classification Sherloc (09022015). Collection method: clinical testing. Allele origin: germline.
Comment: This sequence change replaces glutamic acid, which is acidic and polar, with lysine, which is basic and polar, at codon 335 of the HADHA protein (p.Glu335Lys). This variant is present in population databases (rs769821069, gnomAD 0.005%). This variant has not been reported in the literature in individuals affected with HADHA-related conditions. ClinVar contains an entry for this variant (Variation ID: 1380200). Advanced modeling of protein sequence and biophysical properties (such as structural, functional, and spatial information, amino acid conservation, physicochemical variation, residue mobility, and thermodynamic stability) has been performed at Invitae for this missense variant, however the output from this modeling did not meet the statistical confidence thresholds required to predict the impact of this variant on HADHA protein function. In summary, the available evidence is currently insufficient to determine the role of this variant in disease. Therefore, it has been classified as a Variant of Uncertain Significance.

CeGaT Center for Human Genetics Tuebingen
Classification: Uncertain significance. Last evaluated: 2022-10-01. Review status: criteria provided, single submitter. Criteria: CeGaT Center For Human Genetics Tuebingen Variant Classification Criteria Version 2. Collection method: clinical testing. Allele origin: germline. Affected: yes. Observed: 1 variant allele.
Comment: HADHA: PM2

Literature cited by the submitters: PubMed 40790338 (cited by Myriad Genetics, Inc.).